The following is an entry in ClinVar:

ClinVar aggregate classification (germline): Uncertain significance. Review status: criteria provided, multiple submitters, no conflicts (2 of 4 stars). 2 submissions from 2 submitters: Uncertain significance (2). Last evaluated 2026-09-08.

Conditions:
Hajdu-Cheney syndrome (HJCYS). Also called: Acroosteolysis dominant type; ACROOSTEOLYSIS WITH OSTEOPOROSIS AND CHANGES IN SKULL AND MANDIBLE; SERPENTINE FIBULA-POLYCYSTIC KIDNEY SYNDROME. Identifiers: Orphanet 955, MedGen C0917715, MONDO:0007057, OMIM 102500.
NOTCH2-related disorder. Also called: NOTCH2-related condition.

gnomAD v4.1: 11 of 1,599,502 alleles (0.00069%); highest among the groups gnomAD compares: East Asian, 0.013%; no homozygotes.

Submissions (2):

PreventionGenetics, part of Exact Sciences
Classification: Uncertain significance for NOTCH2-related condition. Last evaluated: 2026-09-08. Review status: criteria provided, single submitter. Criteria: ACMG Guidelines, 2015. Collection method: clinical testing. Allele origin: germline.
Comment: The NOTCH2 c.4000C>T variant is predicted to result in the amino acid substitution p.Pro1334Ser. To our knowledge, this variant has not been reported in the literature. This variant is reported in 0.033% of alleles in individuals of East Asian descent in gnomAD. At this time, the clinical significance of this variant is uncertain due to the absence of conclusive functional and genetic evidence.

Labcorp Genetics (formerly Invitae), Labcorp
Classification: Uncertain significance for Hajdu-Cheney syndrome. Last evaluated: 2025-09-28. Review status: criteria provided, single submitter. Criteria: Invitae Variant Classification Sherloc (09022015). Collection method: clinical testing. Allele origin: germline.
Comment: This sequence change replaces proline, which is neutral and non-polar, with serine, which is neutral and polar, at codon 1334 of the NOTCH2 protein (p.Pro1334Ser). This variant is present in population databases (rs587728425, gnomAD 0.02%). This variant has not been reported in the literature in individuals affected with NOTCH2-related conditions. Invitae Evidence Modeling of protein sequence and biophysical properties (such as structural, functional, and spatial information, amino acid conservation, physicochemical variation, residue mobility, and thermodynamic stability) indicates that this missense variant is not expected to disrupt NOTCH2 protein function with a negative predictive value of 80%. In summary, the available evidence is currently insufficient to determine the role of this variant in disease. Therefore, it has been classified as a Variant of Uncertain Significance.

NM_024408.4(NOTCH2):c.4000C>T (p.Pro1334Ser)

Gene: NOTCH2 (notch receptor 2; minus strand). Cytogenetic location: 1p12.
Variant type: single nucleotide variant.
Coding change: c.4000C>T on transcript NM_024408.4 (MANE Select); coding-DNA position 4000, C replaced by T.
Protein change: p.Pro1334Ser; replaces proline 1334 with serine.
Molecular consequence: missense variant.
Genome position (GRCh38, 1-based): chr1:119,926,504, G>A on the plus strand (C>T on the coding strand, the complement: NOTCH2 is on the minus strand). VCF-style: chr1-119926504-G-A. GRCh37 (hg19) VCF-style: chr1-120469127-G-A.
Other names: c.4000C>T (NM_024408.3); short protein forms P1334S.
Identifiers: ClinVar variation 4708068 (VCV004708068.2).